The following is an entry in ClinVar:

ClinVar aggregate classification (germline): Pathogenic (1 of 4 stars; one submission).

Conditions:
Hereditary spastic paraplegia 39 (SPG39). Also called: Spastic Paraplegia Type 39 (SPG39); SPASTIC PARAPLEGIA 39, AUTOSOMAL RECESSIVE. Identifiers: Orphanet 139480, MedGen C2677586, MONDO:0012787, OMIM 612020.

Allele frequency attached by ClinVar (database versions not stated): gnomAD exomes below 0.00001.
gnomAD v4.1: 3 of 1,613,874 alleles (0.00019%); highest among the groups gnomAD compares: Non-Finnish European, 0.00025%; no homozygotes.

Submission:

Labcorp Genetics (formerly Invitae), Labcorp
Classification: Pathogenic for Hereditary spastic paraplegia 39. Last evaluated: 2025-07-20. Review status: criteria provided, single submitter. Criteria: Invitae Variant Classification Sherloc (09022015). Collection method: clinical testing. Allele origin: germline.
Comment: This sequence change affects an acceptor splice site in intron 20 of the PNPLA6 gene. It is expected to disrupt RNA splicing. Variants that disrupt the donor or acceptor splice site typically lead to a loss of protein function (PMID: 16199547), and loss-of-function variants in PNPLA6 are known to be pathogenic (PMID: 24355708). This variant is present in population databases (no rsID available, gnomAD 0.007%). Disruption of this splice site has been observed in individual(s) with Boucher-Neuhauser syndrome (PMID: 24355708). It has also been observed to segregate with disease in related individuals. ClinVar contains an entry for this variant (Variation ID: 1075623). Algorithms developed to predict the effect of sequence changes on RNA splicing suggest that this variant may disrupt the consensus splice site. For these reasons, this variant has been classified as Pathogenic.

Literature cited by the submitters: PubMed 16199547; PubMed 24355708.

NM_001166114.2(PNPLA6):c.2185-1G>T

Gene: PNPLA6 (patatin like domain 6, lysophospholipase; plus strand). Cytogenetic location: 19p13.2.
Variant type: single nucleotide variant.
Coding change: c.2185-1G>T on transcript NM_001166114.2 (MANE Select); the canonical splice acceptor site of the intron before coding-DNA position 2185, G replaced by T.
Molecular consequence: splice acceptor variant.
Genome position (GRCh38, 1-based): chr19:7,551,361, G>T. VCF-style: chr19-7551361-G-T. GRCh37 (hg19) VCF-style: chr19-7616247-G-T.
Other names: c.2068-1G>T (NM_006702.5, NM_001166113.1); c.1990-1G>T (NM_001166112.2); c.2212-1G>T (NM_001166111.2).
Identifiers: ClinVar variation 1075623 (VCV001075623.7), dbSNP rs606231249, ClinGen allele CA403124954.